The following is an entry in ClinVar:

ClinVar aggregate classification (germline): Uncertain significance (1 of 4 stars; one submission).

Conditions:
NRP2-related disorder. Also called: NRP2-related condition.

gnomAD v4.1: 3 of 1,614,064 alleles (0.00019%); highest among the groups gnomAD compares: Admixed American, 0.0017%; no homozygotes.

Submission:

PreventionGenetics, part of Exact Sciences
Classification: Uncertain significance for NRP2-related condition. Last evaluated: 2025-04-10. Review status: criteria provided, single submitter. Criteria: ACMG Guidelines, 2015. Collection method: clinical testing. Allele origin: germline.
Comment: The NRP2 c.1741G>A variant is predicted to result in the amino acid substitution p.Ala581Thr. To our knowledge, this variant has not been reported in the literature. This variant is reported in 0.0028% of alleles in individuals of Latino descent in gnomAD. At this time, the clinical significance of this variant is uncertain due to the absence of conclusive functional and genetic evidence.

NM_003872.3(NRP2):c.1741G>A (p.Ala581Thr)

Gene: NRP2 (neuropilin 2; plus strand). Cytogenetic location: 2q33.3.
Variant type: single nucleotide variant.
Coding change: c.1741G>A on transcript NM_003872.3 (MANE Select); coding-DNA position 1741, G replaced by A.
Protein change: p.Ala581Thr; replaces alanine 581 with threonine.
Molecular consequence: missense variant.
Genome position (GRCh38, 1-based): chr2:205,745,845, G>A. VCF-style: chr2-205745845-G-A. GRCh37 (hg19) VCF-style: chr2-206610569-G-A.
Other names: c.1741G>A, p.Ala581Thr (NM_018534.4, NM_201266.2, NM_201267.2 and 1 more transcripts); short protein forms A581T.
Identifiers: ClinVar variation 4985635 (VCV004985635.1).